The following is an entry in ClinVar:

ClinVar aggregate classification (germline): Uncertain significance (1 of 4 stars; one submission).

Conditions:
STT3B-congenital disorder of glycosylation. Also called: STT3B-CDG; CDG Ix; Congenital disorder of glycosylation type 1x. Identifiers: Orphanet 370924, MedGen C2931007, MONDO:0014271, OMIM 615597.

Submission:

Labcorp Genetics (formerly Invitae), Labcorp
Classification: Uncertain significance for STT3B-congenital disorder of glycosylation. Last evaluated: 2025-07-30. Review status: criteria provided, single submitter. Criteria: Invitae Variant Classification Sherloc (09022015). Collection method: clinical testing. Allele origin: germline.
Comment: This sequence change replaces lysine, which is basic and polar, with glutamic acid, which is acidic and polar, at codon 817 of the STT3B protein (p.Lys817Glu). This variant is not present in population databases (gnomAD no frequency). This variant has not been reported in the literature in individuals affected with STT3B-related conditions. An algorithm developed to predict the effect of missense changes on protein structure and function (PolyPhen-2) suggests that this variant is likely to be tolerated. In summary, the available evidence is currently insufficient to determine the role of this variant in disease. Therefore, it has been classified as a Variant of Uncertain Significance.

NM_178862.3(STT3B):c.2449A>G (p.Lys817Glu)

Gene: STT3B (STT3 oligosaccharyltransferase complex catalytic subunit B; plus strand). Cytogenetic location: 3p23.
Variant type: single nucleotide variant.
Coding change: c.2449A>G on transcript NM_178862.3 (MANE Select); coding-DNA position 2449, A replaced by G.
Protein change: p.Lys817Glu; replaces lysine 817 with glutamic acid.
Molecular consequence: missense variant.
Genome position (GRCh38, 1-based): chr3:31,636,032, A>G. VCF-style: chr3-31636032-A-G. GRCh37 (hg19) VCF-style: chr3-31677524-A-G.
Other names: short protein forms K817E.
Identifiers: ClinVar variation 4711856 (VCV004711856.1).